The following is an entry in ClinVar:

ClinVar aggregate classification (germline): Uncertain significance (1 of 4 stars; one submission).

Submission:

Labcorp Genetics (formerly Invitae), Labcorp
Classification: Uncertain significance. Last evaluated: 2025-12-02. Review status: criteria provided, single submitter. Criteria: Invitae Variant Classification Sherloc (09022015). Collection method: clinical testing. Allele origin: germline.
Comment: This variant, c.485_487del, results in the deletion of 1 amino acid(s) of the PSMB4 protein (p.Asp162del), but otherwise preserves the integrity of the reading frame. This variant is not present in population databases (gnomAD no frequency). This variant has not been reported in the literature in individuals affected with PSMB4-related conditions. Experimental studies and prediction algorithms are not available or were not evaluated, and the functional significance of this variant is currently unknown. In summary, the available evidence is currently insufficient to determine the role of this variant in disease. Therefore, it has been classified as a Variant of Uncertain Significance.

NM_002796.3(PSMB4):c.485_487del (p.Asp162del)

Gene: PSMB4 (proteasome 20S subunit beta 4; plus strand). Cytogenetic location: 1q21.3.
Variant type: Deletion.
Coding change: c.485_487del on transcript NM_002796.3 (MANE Select); coding-DNA positions 485 to 487, 3 bases deleted (ATG; older notation c.485_487delATG).
Protein change: p.Asp162del; deletes aspartic acid 162.
Molecular consequence: inframe deletion.
Genome position (GRCh38, 1-based): chr1:151,400,579-151,400,581, ATG deleted; deleting any 3 consecutive bases within chr1:151,400,577-151,400,581 gives the same sequence; the c. name uses the placement nearest the transcript's 3' end. VCF-style (leftmost placement, unchanged base first): chr1-151400576-CTGA-C. GRCh37 (hg19) VCF-style: chr1-151373052-CTGA-C.
Other names: short protein forms D162del.
Identifiers: ClinVar variation 4731610 (VCV004731610.1).